The following is an entry in ClinVar:

NM_000289.6(PFKM):c.1191+3A>G

Gene: PFKM (phosphofructokinase, muscle; plus strand). Cytogenetic location: 12q13.11.
Variant type: single nucleotide variant.
Coding change: c.1191+3A>G on transcript NM_000289.6 (MANE Select); 3 bases into the intron after coding-DNA position 1191, A replaced by G.
Molecular consequence: intron variant.
Genome position (GRCh38, 1-based): chr12:48,139,915, A>G. VCF-style: chr12-48139915-A-G. GRCh37 (hg19) VCF-style: chr12-48533698-A-G.
Other names: c.1215+3A>G (NM_001354741.2); c.1191+3A>G (NM_001354742.2, NM_001354743.2, NM_001354744.2 and 2 more transcripts); c.1041+3A>G (NM_001354747.2, NM_001354748.2); c.1404+3A>G (NM_001166686.2, NM_001354737.1, NM_001354739.1 and 1 more transcripts); c.1500+3A>G (NM_001354736.1, NM_001354735.1); c.1335+3A>G (NM_001354740.1); c.1104+3A>G (NM_001354745.2); c.1065+3A>G (NM_001354746.2); and 1 more.
Identifiers: ClinVar variation 2018658 (VCV002018658.4), dbSNP rs2498511950, ClinGen allele CA2575139750.

ClinVar aggregate classification (germline): Uncertain significance (1 of 4 stars; one submission).

Conditions:
Glycogen storage disease, type VII (GSD7). Also called: GSD VII; MUSCLE PHOSPHOFRUCTOKINASE DEFICIENCY; PFKM DEFICIENCY; TARUI DISEASE. Identifiers: Orphanet 371, MedGen C0017926, MONDO:0009295, OMIM 232800.

Submission:

Labcorp Genetics (formerly Invitae), Labcorp
Classification: Uncertain significance for Glycogen storage disease, type VII. Last evaluated: 2022-07-21. Review status: criteria provided, single submitter. Criteria: Invitae Variant Classification Sherloc (09022015). Collection method: clinical testing. Allele origin: germline.
Comment: In summary, the available evidence is currently insufficient to determine the role of this variant in disease. Therefore, it has been classified as a Variant of Uncertain Significance. Variants that disrupt the consensus splice site are a relatively common cause of aberrant splicing (PMID: 17576681, 9536098). Algorithms developed to predict the effect of sequence changes on RNA splicing suggest that this variant may disrupt the consensus splice site. This variant has not been reported in the literature in individuals affected with PFKM-related conditions. This variant is not present in population databases (gnomAD no frequency). This sequence change falls in intron 13 of the PFKM gene. It does not directly change the encoded amino acid sequence of the PFKM protein. It affects a nucleotide within the consensus splice site.

Literature cited by the submitters: PubMed 17576681; PubMed 9536098.